The following is an entry in ClinVar:

NM_001378457.1(DMXL2):c.8761C>T (p.His2921Tyr)

Genes: DMXL2 (Dmx like 2; minus strand), LOC126862131 (MED14-independent group 3 enhancer GRCh37_chr15:51741640-51742839; plus strand). Cytogenetic location: 15q21.2.
Variant type: single nucleotide variant.
Coding change: c.8761C>T on transcript NM_001378457.1 (MANE Select); coding-DNA position 8761, C replaced by T.
Protein change: p.His2921Tyr; replaces histidine 2921 with tyrosine.
Molecular consequence: missense variant. On other transcripts: non-coding transcript variant (2).
Genome position (GRCh38, 1-based): chr15:51,450,335, G>A on the plus strand (C>T on the coding strand, the complement: DMXL2 is on the minus strand). VCF-style: chr15-51450335-G-A. GRCh37 (hg19) VCF-style: chr15-51742532-G-A.
Other names: c.8698C>T, p.His2900Tyr (NM_001174116.3); c.6787C>T, p.His2263Tyr (NM_001174117.3); c.8758C>T, p.His2920Tyr (NM_001378458.1); c.8473C>T, p.His2825Tyr (NM_001378459.1); c.6676C>T, p.His2226Tyr (NM_001378460.1); c.8695C>T, p.His2899Tyr (NM_015263.5); short protein forms H2899Y, H2921Y, H2825Y, H2900Y, H2226Y, H2263Y, H2920Y.
Identifiers: ClinVar variation 4982805 (VCV004982805.1).

ClinVar aggregate classification (germline): Uncertain significance (1 of 4 stars; one submission).

Conditions:
DMXL2-related disorder. Also called: DMXL2-related condition.

Submission:

PreventionGenetics, part of Exact Sciences
Classification: Uncertain significance for DMXL2-related condition. Last evaluated: 2026-07-26. Review status: criteria provided, single submitter. Criteria: ACMG Guidelines, 2015. Collection method: clinical testing. Allele origin: germline.
Comment: The DMXL2 c.8698C>T variant is predicted to result in the amino acid substitution p.His2900Tyr. To our knowledge, this variant has not been reported in the literature or in a large population database (gnomAD), indicating this variant is rare. At this time, the clinical significance of this variant is uncertain due to the absence of conclusive functional and genetic evidence.